The following is an entry in ClinVar:

ClinVar aggregate classification (germline): Uncertain significance. Review status: criteria provided, multiple submitters, no conflicts (2 of 4 stars). 2 submissions from 2 submitters: Uncertain significance (2). Last evaluated 2025-02-24.

Conditions:
Inborn genetic diseases. Identifiers: MedGen C0950123, MeSH D030342.
Amelocerebrohypohidrotic syndrome (KTZS). Also called: EPILEPSY AND YELLOW TEETH; EPILEPSY, DEMENTIA, AND AMELOGENESIS IMPERFECTA; Kohlschutter's syndrome; KOHLSCHUTTER SYNDROME. Identifiers: Orphanet 1946, MedGen C0406740, MONDO:0009185, OMIM 226750.

Allele frequency attached by ClinVar (database versions not stated): gnomAD 0.00001; TOPMed 0.00002.
gnomAD v4.1: 11 of 1,271,976 alleles (0.00086%); highest among the groups gnomAD compares: Middle Eastern, 0.06%; no homozygotes.

Submissions (2):

Ambry Genetics
Classification: Uncertain significance for Inborn genetic diseases. Last evaluated: 2025-02-24. Review status: criteria provided, single submitter. Criteria: Ambry Variant Classification Scheme 2023. Collection method: clinical testing. Allele origin: germline.

Labcorp Genetics (formerly Invitae), Labcorp
Classification: Uncertain significance for Amelocerebrohypohidrotic syndrome. Last evaluated: 2021-09-01. Review status: criteria provided, single submitter. Criteria: Invitae Variant Classification Sherloc (09022015). Collection method: clinical testing. Allele origin: germline.
Comment: This sequence change replaces arginine with tryptophan at codon 12 of the ROGDI protein (p.Arg12Trp). The arginine residue is highly conserved and there is a moderate physicochemical difference between arginine and tryptophan. The frequency data for this variant in the population databases is considered unreliable, as metrics indicate insufficient coverage at this position in the ExAC database. This variant has not been reported in the literature in individuals affected with ROGDI-related conditions. Experimental studies and prediction algorithms are not available or were not evaluated, and the functional significance of this variant is currently unknown. In summary, the available evidence is currently insufficient to determine the role of this variant in disease. Therefore, it has been classified as a Variant of Uncertain Significance.

NM_024589.3(ROGDI):c.34C>T (p.Arg12Trp)

Gene: ROGDI (rogdi atypical leucine zipper; minus strand). Cytogenetic location: 16p13.3.
Variant type: single nucleotide variant.
Coding change: c.34C>T on transcript NM_024589.3 (MANE Select); coding-DNA position 34, C replaced by T.
Protein change: p.Arg12Trp; replaces arginine 12 with tryptophan.
Molecular consequence: missense variant. On other transcripts: non-coding transcript variant (1).
Genome position (GRCh38, 1-based): chr16:4,802,538, G>A on the plus strand (C>T on the coding strand, the complement: ROGDI is on the minus strand). VCF-style: chr16-4802538-G-A. GRCh37 (hg19) VCF-style: chr16-4852539-G-A.
Other names: c.34C>T (NM_024589.1); short protein forms R12W.
Identifiers: ClinVar variation 937507 (VCV000937507.8), dbSNP rs867005426, ClinGen allele CA394656815.
Genomic context (GRCh38, chr16:4,802,538, plus strand): 5'-GCCCGGCCCCGCCGCCCCGCCGGCCCGCCCGCTGGCCCGCGCGCCTTACCAGCACCGCCC[G>A]CTCCGCCGCCGTCGCTGCCATCACGGTGGCCATGGCCGCAGGCCGCCGCCGAGCGCCCTC-3'
Protein context (NP_078865.1, residues 2-22): ATVMAATAAE[Arg12Trp]AVLEEEFRWL